The following is an entry in ClinVar:

ClinVar aggregate classification (germline): Uncertain significance (1 of 4 stars; one submission).

Submission:

GeneDx
Classification: Uncertain significance. Last evaluated: 2024-07-02. Review status: criteria provided, single submitter. Criteria: GeneDx Variant Classification Process June 2021. Collection method: clinical testing. Allele origin: germline. Affected: yes.
Comment: Has not been previously published as pathogenic or benign to our knowledge; In silico analysis supports a deleterious effect on splicing

NM_001142864.4(PIEZO1):c.7317-5del

Gene: PIEZO1 (piezo type mechanosensitive ion channel component 1 (Er blood group); minus strand). Cytogenetic location: 16q24.3.
Variant type: Deletion.
Coding change: c.7317-5del on transcript NM_001142864.4 (MANE Select); 5 bases into the intron before coding-DNA position 7317, one base deleted (C; older notation c.7317-5delC).
Molecular consequence: intron variant.
Genome position (GRCh38, 1-based): chr16:88,715,859, G deleted on the plus strand (C on the coding strand, the reverse complement: PIEZO1 is on the minus strand); the first of 5 consecutive G bases (chr16:88,715,859-88,715,863); deleting any one gives the same sequence. VCF-style (leftmost placement, unchanged base first): chr16-88715858-CG-C. GRCh37 (hg19) VCF-style: chr16-88782266-CG-C.
Identifiers: ClinVar variation 1810172 (VCV001810172.2), dbSNP rs1567655960, ClinGen allele CA624448760.